The following is an entry in ClinVar:

NM_004035.7(ACOX1):c.1790C>T (p.Thr597Ile)

Gene: ACOX1 (acyl-CoA oxidase 1; minus strand). Cytogenetic location: 17q25.1.
Variant type: single nucleotide variant.
Coding change: c.1790C>T on transcript NM_004035.7 (MANE Select); coding-DNA position 1790, C replaced by T.
Protein change: p.Thr597Ile; replaces threonine 597 with isoleucine.
Molecular consequence: missense variant.
Genome position (GRCh38, 1-based): chr17:75,948,396, G>A on the plus strand (C>T on the coding strand, the complement: ACOX1 is on the minus strand). VCF-style: chr17-75948396-G-A. GRCh37 (hg19) VCF-style: chr17-73944477-G-A.
Other names: c.1676C>T, p.Thr559Ile (NM_001185039.2); c.1790C>T, p.Thr597Ile (NM_007292.6); short protein forms T597I, T559I.
Identifiers: ClinVar variation 890248 (VCV000890248.5), dbSNP rs376148124, ClinGen allele CA8776657.

ClinVar aggregate classification (germline): Uncertain significance. Review status: criteria provided, multiple submitters, no conflicts (2 of 4 stars). 2 submissions from 2 submitters: Uncertain significance (2). Last evaluated 2022-04-16.

Conditions:
Acyl-CoA oxidase deficiency. Also called: STRAIGHT-CHAIN ACYL-CoA OXIDASE DEFICIENCY; Pseudoneonatal adrenoleukodystrophy; Peroxisomal acyl-CoA oxidase deficiency. Identifiers: Orphanet 2971, MedGen C1849678, MONDO:0009919, OMIM 264470. Disease mechanism: loss of function.

Allele frequency attached by ClinVar (database versions not stated): TOPMed 0.00003; ExAC 0.00006; gnomAD exomes 0.00006; ESP Exome Variant Server 0.00008.
gnomAD v4.1: 64 of 1,614,038 alleles (0.004%); highest among the groups gnomAD compares: African/African-American, 0.0013%; no homozygotes.

Submissions (2):

Labcorp Genetics (formerly Invitae), Labcorp
Classification: Uncertain significance for Acyl-CoA oxidase deficiency. Last evaluated: 2022-04-16. Review status: criteria provided, single submitter. Criteria: Invitae Variant Classification Sherloc (09022015). Collection method: clinical testing. Allele origin: germline.
Comment: This sequence change replaces threonine, which is neutral and polar, with isoleucine, which is neutral and non-polar, at codon 597 of the ACOX1 protein (p.Thr597Ile). This variant is present in population databases (rs376148124, gnomAD 0.1%). This variant has not been reported in the literature in individuals affected with ACOX1-related conditions. ClinVar contains an entry for this variant (Variation ID: 890248). Algorithms developed to predict the effect of missense changes on protein structure and function output the following: SIFT: "Tolerated"; PolyPhen-2: "Benign"; Align-GVGD: "Class C0". The isoleucine amino acid residue is found in multiple mammalian species, which suggests that this missense change does not adversely affect protein function. In summary, the available evidence is currently insufficient to determine the role of this variant in disease. Therefore, it has been classified as a Variant of Uncertain Significance.

Illumina Laboratory Services, Illumina
Classification: Uncertain significance for Acyl-CoA oxidase deficiency. Last evaluated: 2017-04-27. Review status: criteria provided, single submitter. Criteria: ICSL Variant Classification Criteria 13 December 2019. Collection method: clinical testing. Allele origin: germline.